The following is an entry in ClinVar:

ClinVar aggregate classification (germline): Benign/Likely benign. Review status: criteria provided, multiple submitters, no conflicts (2 of 4 stars). 2 submissions from 2 submitters: Benign (1); Likely benign (1). Last evaluated 2024-11-28.

Conditions:
Hereditary cancer-predisposing syndrome. Also called: Neoplastic Syndromes, Hereditary; Tumor predisposition; Hereditary Cancer Syndrome; Hereditary neoplastic syndrome. Identifiers: Orphanet 140162, MedGen C0027672, MeSH D009386, MONDO:0015356.
Familial cancer of breast. Also called: hereditary breast carcinoma; Hereditary breast cancer; BREAST CANCER, FAMILIAL. Identifiers: Orphanet 227535, MedGen C0346153, MONDO:0016419, OMIM 114480. Disease mechanism: loss of function.

Submissions (2):

Ambry Genetics
Classification: Likely benign for Hereditary cancer-predisposing syndrome. Last evaluated: 2024-11-28. Review status: criteria provided, single submitter. Criteria: Ambry Variant Classification Scheme 2023. Collection method: clinical testing. Allele origin: germline.

Myriad Genetics, Inc.
Classification: Benign for Familial cancer of breast. Last evaluated: 2024-07-18. Review status: criteria provided, single submitter. Criteria: Myriad Autosomal Dominant, Autosomal Recessive and X-Linked Classification Criteria (2023). Collection method: clinical testing. Allele origin: unknown.
Comment: This variant is considered benign. This variant is a silent/synonymous amino acid change and it is not expected to impact splicing.

NM_000465.4(BARD1):c.120G>A (p.Ala40=)

Gene: BARD1 (BRCA1 associated RING domain 1; minus strand). Cytogenetic location: 2q35.
Variant type: single nucleotide variant.
Coding change: c.120G>A on transcript NM_000465.4 (MANE Select); coding-DNA position 120, G replaced by A.
Protein change: p.Ala40=; no amino-acid change (alanine 40 retained).
Molecular consequence: synonymous variant. On other transcripts: non-coding transcript variant (3).
Genome position (GRCh38, 1-based): chr2:214,809,450, C>T on the plus strand (G>A on the coding strand, the complement: BARD1 is on the minus strand). VCF-style: chr2-214809450-C-T. GRCh37 (hg19) VCF-style: chr2-215674174-C-T.
Other names: c.120G>A (NM_000465.2); c.120G>A, p.Ala40= (NM_001282543.2, NM_001282545.2, NM_001282548.2 and 1 more transcripts).
Identifiers: ClinVar variation 3378640 (VCV003378640.2).